The following is an entry in ClinVar:

ClinVar aggregate classification (germline): Likely benign (1 of 4 stars; one submission).

Allele frequency attached by ClinVar (database versions not stated): TOPMed below 0.00001; gnomAD 0.00001; gnomAD exomes 0.00002 and 0.00006; ExAC 0.00008.
gnomAD v4.1: 32 of 1,614,212 alleles (0.002%); highest among the groups gnomAD compares: South Asian, 0.014%; 1 homozygote.

Submission:

GeneDx
Classification: Likely benign. Last evaluated: 2019-10-14. Review status: criteria provided, single submitter. Criteria: GeneDx Variant Classification Process June 2021. Collection method: clinical testing. Allele origin: germline. Affected: yes.
Comment: See Variant Classification Assertion Criteria.

NM_001282531.3(ADNP):c.1595G>A (p.Arg532Gln)

Gene: ADNP (activity dependent neuroprotector homeobox; minus strand). Cytogenetic location: 20q13.13.
Variant type: single nucleotide variant.
Coding change: c.1595G>A on transcript NM_001282531.3 (MANE Select); coding-DNA position 1595, G replaced by A.
Protein change: p.Arg532Gln; replaces arginine 532 with glutamine.
Molecular consequence: missense variant.
Genome position (GRCh38, 1-based): chr20:50,893,119, C>T on the plus strand (G>A on the coding strand, the complement: ADNP is on the minus strand). VCF-style: chr20-50893119-C-T. GRCh37 (hg19) VCF-style: chr20-49509656-C-T.
Other names: c.1595G>A, p.Arg532Gln (NM_001282532.2, NM_001347511.2, NM_015339.5 and 1 more transcripts); short protein forms R532Q.
Identifiers: ClinVar variation 1678777 (VCV001678777.2), dbSNP rs769440878, ClinGen allele CA9908707.
Genomic context (GRCh38, chr20:50,893,119, plus strand): 5'-AAATCAAAACTCAAAGTAGAATCTGTTTTAGGTCCCATCTCTTCATCAATGTGAACCATC[C>T]GCATGTGTGCGGCCATCTTTTCCACATCATTGAAAGTTGAACGGCAATATGGACAAGACA-3'
Protein context (NP_001269460.1, residues 522-542): NDVEKMAAHM[Arg532Gln]MVHIDEEMGP